The following is an entry in ClinVar:

NM_000548.5(TSC2):c.4157G>T (p.Ser1386Ile)

Gene: TSC2 (TSC complex subunit 2; plus strand). Cytogenetic location: 16p13.3.
Variant type: single nucleotide variant.
Coding change: c.4157G>T on transcript NM_000548.5 (MANE Select); coding-DNA position 4157, G replaced by T.
Protein change: p.Ser1386Ile; replaces serine 1386 with isoleucine.
Molecular consequence: missense variant.
Genome position (GRCh38, 1-based): chr16:2,084,379, G>T. VCF-style: chr16-2084379-G-T. GRCh37 (hg19) VCF-style: chr16-2134380-G-T.
Other names: c.3956G>T, p.Ser1319Ile (NM_001077183.3); c.4088G>T, p.Ser1363Ile (NM_001114382.3); c.3848G>T, p.Ser1283Ile (NM_001318827.2); c.3812G>T, p.Ser1271Ile (NM_001318829.2); c.3425G>T, p.Ser1142Ile (NM_001318831.2); c.3989G>T, p.Ser1330Ile (NM_001318832.2); c.3959G>T, p.Ser1320Ile (NM_001363528.2); c.4025G>T, p.Ser1342Ile (NM_001370404.1); and 26 more; short protein forms S1120I, S1162I, S1315I, S1385I, S871I, S895I, S1163I, S1166I.
Identifiers: ClinVar variation 1738304 (VCV001738304.6), dbSNP rs1555514071, ClinGen allele CA394299702.
Genomic context (GRCh38, chr16:2,084,379, plus strand): 5'-AGGGTGGCCGGCCCTCTGTGGACCTCTCCTTCCAGCCCTCGCAGCCCCTGAGCAAGTCCA[G>T]CTCCTCTCCCGAGCTGCAGACTCTGCAGGACATCCTCGGGGACCCTGGGGACAAGGCCGA-3'
Protein context (NP_000539.2, residues 1376-1396): FQPSQPLSKS[Ser1386Ile]SSPELQTLQD

ClinVar aggregate classification (germline): Uncertain significance. Review status: criteria provided, multiple submitters, no conflicts (2 of 4 stars). 3 submissions from 3 submitters: Uncertain significance (3). Last evaluated 2025-01-17.

Conditions:
Hereditary cancer-predisposing syndrome. Also called: Neoplastic Syndromes, Hereditary; Tumor predisposition; Hereditary Cancer Syndrome; Hereditary neoplastic syndrome. Identifiers: Orphanet 140162, MedGen C0027672, MeSH D009386, MONDO:0015356.
Tuberous sclerosis 2 (TSC2). Identifiers: Orphanet 805, MedGen C1860707, MONDO:0013199, OMIM 613254.

Submissions (3):

GeneDx
Classification: Uncertain significance. Last evaluated: 2025-01-17. Review status: criteria provided, single submitter. Criteria: GeneDx Variant Classification Process June 2021. Collection method: clinical testing. Allele origin: germline. Affected: yes.
Comment: Not observed at significant frequency in large population cohorts (gnomAD); In silico analysis supports that this missense variant has a deleterious effect on protein structure/function; Has not been previously published as pathogenic or benign to our knowledge

Labcorp Genetics (formerly Invitae), Labcorp
Classification: Uncertain significance for Tuberous sclerosis 2. Last evaluated: 2023-06-29. Review status: criteria provided, single submitter. Criteria: Invitae Variant Classification Sherloc (09022015). Collection method: clinical testing. Allele origin: germline.
Comment: In summary, the available evidence is currently insufficient to determine the role of this variant in disease. Therefore, it has been classified as a Variant of Uncertain Significance. Advanced modeling of protein sequence and biophysical properties (such as structural, functional, and spatial information, amino acid conservation, physicochemical variation, residue mobility, and thermodynamic stability) performed at Invitae indicates that this missense variant is not expected to disrupt TSC2 protein function. ClinVar contains an entry for this variant (Variation ID: 1738304). This variant has not been reported in the literature in individuals affected with TSC2-related conditions. This variant is not present in population databases (gnomAD no frequency). This sequence change replaces serine, which is neutral and polar, with isoleucine, which is neutral and non-polar, at codon 1386 of the TSC2 protein (p.Ser1386Ile).

Ambry Genetics
Classification: Uncertain significance for Hereditary cancer-predisposing syndrome. Last evaluated: 2022-01-07. Review status: criteria provided, single submitter. Criteria: Ambry Variant Classification Scheme 2023. Collection method: clinical testing. Allele origin: germline.
Comment: The p.S1386I variant (also known as c.4157G>T), located in coding exon 33 of the TSC2 gene, results from a G to T substitution at nucleotide position 4157. The serine at codon 1386 is replaced by isoleucine, an amino acid with dissimilar properties. This amino acid position is conserved. In addition, this alteration is predicted to be deleterious by in silico analysis. Since supporting evidence is limited at this time, the clinical significance of this alteration remains unclear.